The following is an entry in ClinVar:

NM_001458.5(FLNC):c.154T>C (p.Cys52Arg)

Gene: FLNC (filamin C; plus strand). Cytogenetic location: 7q32.1.
Variant type: single nucleotide variant.
Coding change: c.154T>C on transcript NM_001458.5 (MANE Select); coding-DNA position 154, T replaced by C.
Protein change: p.Cys52Arg; replaces cysteine 52 with arginine.
Molecular consequence: missense variant.
Genome position (GRCh38, 1-based): chr7:128,830,791, T>C. VCF-style: chr7-128830791-T-C. GRCh37 (hg19) VCF-style: chr7-128470845-T-C.
Other names: c.154T>C, p.Cys52Arg (NM_001127487.2); short protein forms C52R.
Identifiers: ClinVar variation 4812599 (VCV004812599.1).
Genomic context (GRCh38, chr7:128,830,791, plus strand): 5'-GCGCCGTGGAAGAAGATCCAGCAGAACACATTCACGCGCTGGTGCAATGAGCACCTCAAG[T>C]GCGTGGGCAAGCGCCTGACCGACCTGCAGCGCGACCTCAGCGACGGGCTCCGGCTCATCG-3'
Protein context (NP_001449.3, residues 42-62): FTRWCNEHLK[Cys52Arg]VGKRLTDLQR

ClinVar aggregate classification (germline): Uncertain significance (1 of 4 stars; one submission).

Conditions:
Hypertrophic cardiomyopathy 26. Also called: Cardiomyopathy, familial hypertrophic, 26. Identifiers: Orphanet 75249, MedGen C4310749, MONDO:0014883, OMIM 617047.
Myofibrillar myopathy 5. Also called: Filaminopathy (type); FILAMINOPATHY, AUTOSOMAL DOMINANT. Identifiers: Orphanet 171445, MedGen C1836050, MONDO:0012289, OMIM 609524.
Distal myopathy with posterior leg and anterior hand involvement. Also called: WILLIAMS DISTAL MYOPATHY. Identifiers: Orphanet 63273, MedGen C3279722, MONDO:0013550, OMIM 614065.

Submission:

Labcorp Genetics (formerly Invitae), Labcorp
Classification: Uncertain significance for Distal myopathy with posterior leg and anterior hand involvement; Myofibrillar myopathy 5; Hypertrophic cardiomyopathy 26. Last evaluated: 2025-02-11. Review status: criteria provided, single submitter. Criteria: Invitae Variant Classification Sherloc (09022015). Collection method: clinical testing. Allele origin: germline.
Comment: This sequence change replaces cysteine, which is neutral and slightly polar, with arginine, which is basic and polar, at codon 52 of the FLNC protein (p.Cys52Arg). This variant is not present in population databases (gnomAD no frequency). This variant has not been reported in the literature in individuals affected with FLNC-related conditions. Invitae Evidence Modeling of protein sequence and biophysical properties (such as structural, functional, and spatial information, amino acid conservation, physicochemical variation, residue mobility, and thermodynamic stability) has been performed for this missense variant. However, the output from this modeling did not meet the statistical confidence thresholds required to predict the impact of this variant on FLNC protein function. In summary, the available evidence is currently insufficient to determine the role of this variant in disease. Therefore, it has been classified as a Variant of Uncertain Significance.